The following is an entry in ClinVar:

ClinVar aggregate classification (germline): Likely benign. Review status: criteria provided, multiple submitters, no conflicts (2 of 4 stars). 2 submissions from 2 submitters: Likely benign (2). Last evaluated 2025-01-14.

Conditions:
COL2A1-related disorder. Also called: COL2A1-related condition; COL2A1-related disorders.

gnomAD v4.1: 20 of 767,608 alleles (0.0026%); highest among the groups gnomAD compares: Middle Eastern, 0.022%; no homozygotes.

Submissions (2):

PreventionGenetics, part of Exact Sciences
Classification: Likely benign for COL2A1-related condition. Last evaluated: 2025-01-14. Review status: criteria provided, single submitter. Criteria: ACMG Guidelines, 2015. Collection method: clinical testing. Allele origin: germline.
Comment: This variant is classified as likely benign based on ACMG/AMP sequence variant interpretation guidelines (Richards et al. 2015 PMID: 25741868, with internal and published modifications).

Blueprint Genetics
Classification: Likely benign. Last evaluated: 2024-08-08. Review status: criteria provided, single submitter. Criteria: ACMG Guidelines, 2015. Collection method: clinical testing. Allele origin: germline.

NM_001844.5(COL2A1):c.1527+134C>T

Gene: COL2A1 (collagen type II alpha 1 chain; minus strand). Cytogenetic location: 12q13.11.
Variant type: single nucleotide variant.
Coding change: c.1527+134C>T on transcript NM_001844.5 (MANE Select); 134 bases into the intron after coding-DNA position 1527, C replaced by T.
Molecular consequence: intron variant.
Genome position (GRCh38, 1-based): chr12:47,986,202, G>A on the plus strand (C>T on the coding strand, the complement: COL2A1 is on the minus strand). VCF-style: chr12-47986202-G-A. GRCh37 (hg19) VCF-style: chr12-48379985-G-A.
Other names: c.1320+134C>T (NM_033150.3); c.1527+134C>T (NM_001844.4).
Identifiers: ClinVar variation 4916423 (VCV004916423.2).
Genomic context (GRCh38, chr12:47,986,202, plus strand): 5'-GACTATTTCATGTCAGTCTGGTGGTTGGCGGCACAAATCAGGATCAGACTCCCTCTCCCC[G>A]CGGTGTGGATGGAGAAAGAGGAGGATGACATGCGGAAAAGTCACGAGACTTGACCAGAAC-3'